The following is an entry in ClinVar:

NM_001447.3(FAT2):c.7031A>G (p.His2344Arg)

Genes: FAT2 (FAT atypical cadherin 2; minus strand), SLC36A1 (solute carrier family 36 member 1; plus strand). Cytogenetic location: 5q33.1.
Variant type: single nucleotide variant.
Coding change: c.7031A>G on transcript NM_001447.3 (MANE Select); coding-DNA position 7031, A replaced by G.
Protein change: p.His2344Arg; replaces histidine 2344 with arginine.
Molecular consequence: missense variant.
Genome position (GRCh38, 1-based): chr5:151,544,096, T>C on the plus strand (A>G on the coding strand, the complement: FAT2 is on the minus strand). VCF-style: chr5-151544096-T-C. GRCh37 (hg19) VCF-style: chr5-150923657-T-C.
Other names: short protein forms H2344R.
Identifiers: ClinVar variation 4023197 (VCV004023197.2).

ClinVar aggregate classification (germline): Uncertain significance. Review status: criteria provided, multiple submitters, no conflicts (2 of 4 stars). 2 submissions from 2 submitters: Uncertain significance (2). Last evaluated 2025-12-28.

gnomAD v4.1: 4 of 1,613,978 alleles (0.00025%); highest among the groups gnomAD compares: Non-Finnish European, 0.00034%; no homozygotes.

Submissions (2):

Labcorp Genetics (formerly Invitae), Labcorp
Classification: Uncertain significance. Last evaluated: 2025-12-28. Review status: criteria provided, single submitter. Criteria: Invitae Variant Classification Sherloc (09022015). Collection method: clinical testing. Allele origin: germline.
Comment: This sequence change replaces histidine, which is basic and polar, with arginine, which is basic and polar, at codon 2344 of the FAT2 protein (p.His2344Arg). This variant is not present in population databases (gnomAD no frequency). This variant has not been reported in the literature in individuals affected with FAT2-related conditions. ClinVar contains an entry for this variant (Variation ID: 4023197). Invitae Evidence Modeling of protein sequence and biophysical properties (such as structural, functional, and spatial information, amino acid conservation, physicochemical variation, residue mobility, and thermodynamic stability) has been performed for this missense variant. However, the output from this modeling did not meet the statistical confidence thresholds required to predict the impact of this variant on FAT2 protein function. In summary, the available evidence is currently insufficient to determine the role of this variant in disease. Therefore, it has been classified as a Variant of Uncertain Significance.

Ambry Genetics
Classification: Uncertain significance. Last evaluated: 2025-06-12. Review status: criteria provided, single submitter. Criteria: Ambry Variant Classification Scheme 2023. Collection method: clinical testing. Allele origin: germline.